The following is an entry in ClinVar:

ClinVar aggregate classification (germline): Uncertain significance (1 of 4 stars; one submission).

Submission:

CeGaT Center for Human Genetics Tuebingen
Classification: Uncertain significance. Last evaluated: 2025-01-01. Review status: criteria provided, single submitter. Criteria: CeGaT Center For Human Genetics Tuebingen Variant Classification Criteria Version 2. Collection method: clinical testing. Allele origin: germline. Affected: yes. Observed: 1 variant allele.
Comment: BAG3: PM2, BP5

NM_004281.4(BAG3):c.33G>T (p.Gln11His)

Gene: BAG3 (BAG cochaperone 3; plus strand). Cytogenetic location: 10q26.11.
Variant type: single nucleotide variant.
Coding change: c.33G>T on transcript NM_004281.4 (MANE Select); coding-DNA position 33, G replaced by T.
Protein change: p.Gln11His; replaces glutamine 11 with histidine.
Molecular consequence: missense variant.
Genome position (GRCh38, 1-based): chr10:119,651,708, G>T. VCF-style: chr10-119651708-G-T. GRCh37 (hg19) VCF-style: chr10-121411220-G-T.
Other names: short protein forms Q11H.
Identifiers: ClinVar variation 3772275 (VCV003772275.13).